The following is an entry in ClinVar:

NM_007294.4(BRCA1):c.3549_3550del (p.Gly1184fs)

Genes: BRCA1 (BRCA1 DNA repair associated; minus strand), LOC126862571 (BRD4-independent group 4 enhancer GRCh37_chr17:41243136-41244335; plus strand). Cytogenetic location: 17q21.31.
Variant type: Deletion.
Coding change: c.3549_3550del on transcript NM_007294.4 (MANE Select); coding-DNA positions 3549 to 3550, 2 bases deleted (AG; older notation c.3549_3550delAG).
Protein change: p.Gly1184fs; shifts the reading frame from glycine 1184.
Molecular consequence: frameshift variant. On other transcripts: intron variant (135).
Genome position (GRCh38, 1-based): chr17:43,091,981-43,091,982, CT deleted on the plus strand (AG on the coding strand, the reverse complement: BRCA1 is on the minus strand). VCF-style (leftmost placement, unchanged base first): chr17-43091980-CCT-C. GRCh37 (hg19) VCF-style: chr17-41243997-CCT-C.
Other names: c.3339_3340del, p.Gly1114fs (NM_001407881.1, NM_001407882.1, NM_001407884.1 and 13 more transcripts); c.3336_3337del, p.Gly1113fs (NM_001407894.1, NM_001407895.1, NM_001407896.1 and 9 more transcripts); c.3426_3427del, p.Gly1143fs (NM_001407919.1, NM_001407937.1, NM_001407938.1 and 19 more transcripts); c.3285_3286del, p.Gly1096fs (NM_001407920.1, NM_001407921.1, NM_001407922.1 and 9 more transcripts); c.3282_3283del, p.Gly1095fs (NM_001407930.1, NM_001407931.1, NM_001407932.1 and 2 more transcripts); c.3423_3424del, p.Gly1142fs (NM_001407940.1, NM_001407941.1, NM_001407649.1 and 11 more transcripts); c.3408_3409del, p.Gly1137fs (NM_001407942.1, NM_001407944.1, NM_001407945.1 and 29 more transcripts); c.3405_3406del, p.Gly1136fs (NM_001407943.1, NM_001407964.1, NM_001407740.1 and 20 more transcripts); and 41 more; short protein forms G1137fs, G1184fs, G1057fs, G1095fs, G1117fs, G1143fs, G1157fs, G1158fs.
Identifiers: ClinVar variation 54914 (VCV000054914.3), dbSNP rs730882057, ClinGen allele CA002270.
Genomic context (GRCh38, chr17:43,091,980, plus strand): 5'-CTTCGGTAACCCTGAGCCAAATGTGTATGGGTGAAAGGGCTAGGACTCCTGCTAAGCTCT[CCT>C]TTCTGGACGCTTTTGCTAAAAACAGCAGAACTTTCCTTAATGTCATTTTCAGCAAAACTA-3'

ClinVar aggregate classification (germline): Pathogenic. Review status: reviewed by expert panel (3 of 4 stars). 2 submissions from 2 submitters: Pathogenic (1). 1 of the submissions does not count toward it. Last evaluated 2017-12-15.

Conditions:
Familial cancer of breast. Also called: hereditary breast carcinoma; BREAST CANCER, FAMILIAL; Hereditary breast cancer. Identifiers: Orphanet 227535, MedGen C0346153, MONDO:0016419, OMIM 114480. Disease mechanism: loss of function.
Breast-ovarian cancer, familial, susceptibility to, 1 (BROVCA1). Also called: BRCA1 Hereditary Breast and Ovarian Cancer; OVARIAN CANCER, SUSCEPTIBILITY TO. Identifiers: Orphanet 145, MedGen C2676676, MONDO:0011450, OMIM 604370. Disease mechanism: loss of function.

Submissions (2):

Evidence-based Network for the Interpretation of Germline Mutant Alleles (ENIGMA)
Classification: Pathogenic for Breast-ovarian cancer, familial, susceptibility to, 1. Last evaluated: 2017-12-15. Review status: reviewed by expert panel. Criteria: ENIGMA BRCA1/2 Classification Criteria (2017-06-29). Collection method: curation. Allele origin: germline. Study: ENIGMA.
Comment: Variant allele predicted to encode a truncated non-functional protein.

ClinVar Staff, National Center for Biotechnology Information (NCBI)
No classification provided. Condition: Familial cancer of breast. Review status: no classification provided. Collection method: literature only. Allele origin: germline. Affected: yes. Not counted in ClinVar's aggregate classification.

Literature cited by the submitters: PubMed 11463009 (cited by ClinVar Staff, National Center for Biotechnology Information (NCBI)).